The following is an entry in ClinVar:

NM_001040108.2(MLH3):c.1018A>G (p.Ile340Val)

Gene: MLH3 (mutL homolog 3; minus strand). Cytogenetic location: 14q24.3.
Variant type: single nucleotide variant.
Coding change: c.1018A>G on transcript NM_001040108.2 (MANE Select); coding-DNA position 1018, A replaced by G.
Protein change: p.Ile340Val; replaces isoleucine 340 with valine.
Molecular consequence: missense variant.
Genome position (GRCh38, 1-based): chr14:75,048,638, T>C on the plus strand (A>G on the coding strand, the complement: MLH3 is on the minus strand). VCF-style: chr14-75048638-T-C. GRCh37 (hg19) VCF-style: chr14-75515341-T-C.
Other names: c.1018A>G, p.Ile340Val (NM_014381.3); short protein forms I340V.
Identifiers: ClinVar variation 1749635 (VCV001749635.5), dbSNP rs769417120, ClinGen allele CA7275932.
Genomic context (GRCh38, chr14:75,048,638, plus strand): 5'-CACCTGATAATTCCACAAATAATTTTTCTTGCTTTAAAAACATTTTCACTCCTTCCTGAA[T>C]GCAAAACAAGAGAGTGTCCCAGTTCTGAAATTCAATCAGAGTTTTGGCTGGCTCCATGCA-3'
Protein context (NP_001035197.1, residues 330-350): FQNWDTLLFC[Ile340Val]QEGVKMFLKQ

ClinVar aggregate classification (germline): Uncertain significance. Review status: criteria provided, multiple submitters, no conflicts (2 of 4 stars). 2 submissions from 2 submitters: Uncertain significance (2). Last evaluated 2025-11-19.

Conditions:
Colorectal cancer, hereditary nonpolyposis, type 7. Identifiers: Orphanet 144, MedGen C1858380, MONDO:0013725, OMIM 614385.

Allele frequency attached by ClinVar (database versions not stated): TOPMed 0.00002; ExAC 0.00001; gnomAD exomes 0.00001; gnomAD 0.00003.

Submissions (2):

Labcorp Genetics (formerly Invitae), Labcorp
Classification: Uncertain significance for Colorectal cancer, hereditary nonpolyposis, type 7. Last evaluated: 2025-11-19. Review status: criteria provided, single submitter. Criteria: Invitae Variant Classification Sherloc (09022015). Collection method: clinical testing. Allele origin: germline.
Comment: This sequence change replaces isoleucine, which is neutral and non-polar, with valine, which is neutral and non-polar, at codon 340 of the MLH3 protein (p.Ile340Val). This variant is present in population databases (rs769417120, gnomAD 0.01%). This variant has not been reported in the literature in individuals affected with MLH3-related conditions. ClinVar contains an entry for this variant (Variation ID: 1749635). An algorithm developed to predict the effect of missense changes on protein structure and function outputs the following: PolyPhen-2: "Benign". The valine amino acid residue is found in multiple mammalian species, which suggests that this missense change does not adversely affect protein function. In summary, the available evidence is currently insufficient to determine the role of this variant in disease. Therefore, it has been classified as a Variant of Uncertain Significance.

Ambry Genetics
Classification: Uncertain significance. Last evaluated: 2023-12-02. Review status: criteria provided, single submitter. Criteria: Ambry Variant Classification Scheme 2023. Collection method: clinical testing. Allele origin: germline.
Comment: The p.I340V variant (also known as c.1018A>G), located in coding exon 1 of the MLH3 gene, results from an A to G substitution at nucleotide position 1018. The isoleucine at codon 340 is replaced by valine, an amino acid with highly similar properties. This alteration has been reported in a colorectal cancer patient (DeRycke MS et al. Mol Genet Genomic Med, 2017 Sep;5:553-569). This amino acid position is not well conserved in available vertebrate species. In addition, this alteration is predicted to be tolerated by in silico analysis. Since supporting evidence is limited at this time, the clinical significance of this alteration remains unclear.

Literature cited by the submitters: PubMed 28944238 (cited by Ambry Genetics).